The following is an entry in ClinVar:

ClinVar aggregate classification (germline): Likely benign (0 of 4 stars; one submission).

Conditions:
TTC8-related disorder. Also called: TTC8-related condition.

gnomAD v4.1: 1 of 1,613,916 alleles (0.000062%); highest among the groups gnomAD compares: African/African-American, 0.0013%; no homozygotes.

Submission:

PreventionGenetics, part of Exact Sciences
Classification: Likely benign for TTC8-related condition. Last evaluated: 2023-12-12. Review status: no assertion criteria provided. Collection method: clinical testing. Allele origin: germline.
Comment: This variant is classified as likely benign based on ACMG/AMP sequence variant interpretation guidelines (Richards et al. 2015 PMID: 25741868, with internal and published modifications).

NM_144596.4(TTC8):c.1038C>G (p.Leu346=)

Gene: TTC8 (tetratricopeptide repeat domain 8; plus strand). Cytogenetic location: 14q31.3.
Variant type: single nucleotide variant.
Coding change: c.1038C>G on transcript NM_144596.4 (MANE Select); coding-DNA position 1038, C replaced by G.
Protein change: p.Leu346=; no amino-acid change (leucine 346 retained).
Molecular consequence: synonymous variant. On other transcripts: non-coding transcript variant (1).
Genome position (GRCh38, 1-based): chr14:88,870,187, C>G. VCF-style: chr14-88870187-C-G. GRCh37 (hg19) VCF-style: chr14-89336531-C-G.
Other names: c.1086C>G, p.Leu362= (NM_001288781.1); c.444C>G, p.Leu148= (NM_001288782.1); c.321C>G, p.Leu107= (NM_001288783.1); c.1008C>G, p.Leu336= (NM_001366535.2, NM_198309.3); c.918C>G, p.Leu306= (NM_001366536.2, NM_198310.3).
Identifiers: ClinVar variation 3348252 (VCV003348252.1).